The following is an entry in ClinVar:

NM_000257.4(MYH7):c.2553C>T (p.Ser851=)

Genes: MYH7 (myosin heavy chain 7; minus strand), LOC126861898 (BRD4-independent group 4 enhancer GRCh37_chr14:23893609-23894808; plus strand). Cytogenetic location: 14q11.2.
Variant type: single nucleotide variant.
Coding change: c.2553C>T on transcript NM_000257.4 (MANE Select); coding-DNA position 2553, C replaced by T.
Protein change: p.Ser851=; no amino-acid change (serine 851 retained).
Molecular consequence: synonymous variant.
Genome position (GRCh38, 1-based): chr14:23,424,895, G>A on the plus strand (C>T on the coding strand, the complement: MYH7 is on the minus strand). VCF-style: chr14-23424895-G-A. GRCh37 (hg19) VCF-style: chr14-23894104-G-A.
Other names: c.2553C>T, p.Ser851= (NM_001407004.1).
Identifiers: ClinVar variation 3069343 (VCV003069343.1), dbSNP rs144291282, ClinGen allele CA485767151.

ClinVar aggregate classification (germline): Likely benign (1 of 4 stars; one submission).

Conditions:
Cardiomyopathy (CMYO). Also called: Cardiomyopathies. Identifiers: Orphanet 167848, MedGen C0878544, MONDO:0004994, HP:0001638. Inheritance: Various modes of inheritance.

Submission:

All of Us Research Program, National Institutes of Health
Classification: Likely benign for Cardiomyopathy. Last evaluated: 2022-11-30. Review status: criteria provided, single submitter. Criteria: ACMG Guidelines, 2015. Collection method: clinical testing. Allele origin: germline. Inheritance: Autosomal dominant inheritance. Observed: 1 variant allele, 1 heterozygote.
Comment: This study involves interpretation of variants in research participants for the purpose of population health screening. Participant phenotype was not available at the time of variant classification. Additional details can be found in publication PMID: 35346344, PMCID: PMC8962531